The following is an entry in ClinVar:

ClinVar aggregate classification (germline): Uncertain significance. Review status: criteria provided, multiple submitters, no conflicts (2 of 4 stars). 5 submissions from 4 submitters: Uncertain significance (5). Last evaluated 2022-12-09.

Conditions:
Peroxisome biogenesis disorder 9B. Also called: Refsum disease, adult, 2; PEX7-Related Refsum Disease; PEROXISOME BIOGENESIS DISORDER, PEX7-RELATED, ATYPICAL. Identifiers: Orphanet 773, MedGen C2749346, MONDO:0013945, OMIM 614879.
Rhizomelic chondrodysplasia punctata type 1 (RCDP1). Also called: CHONDRODYSTROPHIA CALCIFICANS PUNCTATA; PEX7-Related Rhizomelic Chondrodysplasia Punctata; PEROXISOME BIOGENESIS DISORDER 9. Identifiers: Orphanet 177, Orphanet 309789, MedGen C1859133, MONDO:0008972, OMIM 215100. Disease mechanism: loss of function.

Allele frequency attached by ClinVar (database versions not stated): gnomAD exomes below 0.00001.
gnomAD v4.1: 5 of 1,613,978 alleles (0.00031%); highest among the groups gnomAD compares: African/African-American, 0.0053%; no homozygotes.

Submissions (5):

Blueprint Genetics
Classification: Uncertain significance. Last evaluated: 2022-12-09. Review status: criteria provided, single submitter. Criteria: ACMG Guidelines, 2015. Collection method: clinical testing. Allele origin: germline.

Labcorp Genetics (formerly Invitae), Labcorp
Classification: Uncertain significance for Peroxisome biogenesis disorder 9B. Last evaluated: 2022-04-30. Review status: criteria provided, single submitter. Criteria: Invitae Variant Classification Sherloc (09022015). Collection method: clinical testing. Allele origin: germline.
Comment: This sequence change replaces valine, which is neutral and non-polar, with leucine, which is neutral and non-polar, at codon 106 of the PEX7 protein (p.Val106Leu). This variant is not present in population databases (gnomAD no frequency). This variant has not been reported in the literature in individuals affected with PEX7-related conditions. ClinVar contains an entry for this variant (Variation ID: 355530). Algorithms developed to predict the effect of missense changes on protein structure and function (SIFT, PolyPhen-2, Align-GVGD) all suggest that this variant is likely to be tolerated. In summary, the available evidence is currently insufficient to determine the role of this variant in disease. Therefore, it has been classified as a Variant of Uncertain Significance.

Illumina Laboratory Services, Illumina
Classification: Uncertain significance for Rhizomelic chondrodysplasia punctata type 1. Last evaluated: 2018-01-13. Review status: criteria provided, single submitter. Criteria: ICSL Variant Classification Criteria 13 December 2019. Collection method: clinical testing. Allele origin: germline.

Illumina Laboratory Services, Illumina
Classification: Uncertain significance for Peroxisome biogenesis disorder 9B. Last evaluated: 2018-01-13. Review status: criteria provided, single submitter. Criteria: ICSL Variant Classification Criteria 13 December 2019. Collection method: clinical testing. Allele origin: germline.

Eurofins Ntd Llc (ga)
Classification: Uncertain significance. Last evaluated: 2017-05-25. Review status: criteria provided, single submitter. Criteria: EGL Classification Definitions 2015. Collection method: clinical testing. Allele origin: germline. Observed: 1 variant allele, 1 heterozygote.

NM_000288.4(PEX7):c.316G>C (p.Val106Leu)

Gene: PEX7 (peroxisomal biogenesis factor 7; plus strand). Cytogenetic location: 6q23.3.
Variant type: single nucleotide variant.
Coding change: c.316G>C on transcript NM_000288.4 (MANE Select); coding-DNA position 316, G replaced by C.
Protein change: p.Val106Leu; replaces valine 106 with leucine.
Molecular consequence: missense variant.
Genome position (GRCh38, 1-based): chr6:136,826,446, G>C. VCF-style: chr6-136826446-G-C. GRCh37 (hg19) VCF-style: chr6-137147584-G-C.
Other names: short protein forms V106L.
Identifiers: ClinVar variation 355530 (VCV000355530.11), dbSNP rs886061121, ClinGen allele CA10626099.
Genomic context (GRCh38, chr6:136,826,446, plus strand): 5'-TGTAGTGGCGATGGCTCGCTGCAGCTCTGGGACACTGCCAAAGCTGCAGGGCCACTGCAA[G>C]TCTATAAAGAACACGCTCAGGAGGTAGGAGGGAAATCTTTCTGGGCTGATTATTTTTCTT-3'
Protein context (NP_000279.1, residues 96-116): DTAKAAGPLQ[Val106Leu]YKEHAQEVYS